The following is an entry in ClinVar:

ClinVar aggregate classification (germline): Benign/Likely benign. Review status: criteria provided, multiple submitters, no conflicts (2 of 4 stars). 10 submissions from 10 submitters: Benign (3); Likely benign (4). 3 of the submissions do not count toward it. Last evaluated 2026-09-01.

Conditions:
Mandibulofacial dysostosis-microcephaly syndrome (MFDGA). Also called: Growth and mental retardation, mandibulofacial dysostosis, microcephaly, and cleft palate; Mandibulofacial dysostosis, Guion-Almeida type. Identifiers: Orphanet 79113, MedGen C1864652, MONDO:0012516, OMIM 610536.

Allele frequency attached by ClinVar (database versions not stated): 1000 Genomes Project 0.00220; TOPMed 0.00424; gnomAD 0.00515 and 0.00538; gnomAD exomes 0.00542 and 0.00659; ExAC 0.00544.

Submissions (10):

CeGaT Center for Human Genetics Tuebingen
Classification: Benign. Last evaluated: 2026-09-01. Review status: criteria provided, single submitter. Criteria: CeGaT Center For Human Genetics Tuebingen Variant Classification Criteria Version 2. Collection method: clinical testing. Allele origin: germline. Affected: yes. Observed: 34 variant alleles.
Comment: EFTUD2: BP4, BS1, BS2

Labcorp Genetics (formerly Invitae), Labcorp
Classification: Benign. Last evaluated: 2026-01-31. Review status: criteria provided, single submitter. Criteria: Invitae Variant Classification Sherloc (09022015). Collection method: clinical testing. Allele origin: germline.

Blueprint Genetics
Classification: Likely benign. Last evaluated: 2024-11-22. Review status: criteria provided, single submitter. Criteria: ACMG Guidelines, 2015. Collection method: clinical testing. Allele origin: germline.

Fulgent Genetics
Classification: Likely benign for Mandibulofacial dysostosis-microcephaly syndrome. Last evaluated: 2021-11-11. Review status: criteria provided, single submitter. Criteria: ACMG Guidelines, 2015. Collection method: clinical testing. Allele origin: unknown.

GeneDx
Classification: Benign. Last evaluated: 2019-08-29. Review status: criteria provided, single submitter. Criteria: GeneDx Variant Classification Process June 2021. Collection method: clinical testing. Allele origin: germline. Affected: yes.
Comment: This variant is associated with the following publications: (PMID: 23188108, 27895973)

Center for Pediatric Genomic Medicine, Children's Mercy Hospital and Clinics
Classification: Likely benign. Last evaluated: 2016-08-31. Review status: criteria provided, single submitter. Criteria: ACMG Guidelines, 2015. Collection method: clinical testing. Allele origin: germline.
ClinVar note: Converted during submission from Likely Benign to Likely benign.

PreventionGenetics, part of Exact Sciences
Classification: Likely benign. Review status: criteria provided, single submitter. Criteria: ACMG Guidelines, 2015. Collection method: clinical testing. Allele origin: germline.

Clinical Genetics DNA and cytogenetics Diagnostics Lab, Erasmus MC, Erasmus Medical Center
Classification: Likely benign. Review status: no assertion criteria provided. Collection method: clinical testing. Allele origin: germline. Affected: yes. Study: VKGL Data-share Consensus. Not counted in ClinVar's aggregate classification.

Diagnostic Laboratory, Department of Genetics, University Medical Center Groningen
Classification: Benign. Review status: no assertion criteria provided. Collection method: clinical testing. Allele origin: germline. Affected: yes. Study: VKGL Data-share Consensus. Not counted in ClinVar's aggregate classification.

Laboratory of Diagnostic Genome Analysis, Leiden University Medical Center (LUMC)
Classification: Likely benign. Review status: no assertion criteria provided. Collection method: clinical testing. Allele origin: germline. Affected: yes. Study: VKGL Data-share Consensus. Not counted in ClinVar's aggregate classification.

NM_004247.4(EFTUD2):c.1058+3_1058+7del

Gene: EFTUD2 (elongation factor Tu GTP binding domain containing 2; minus strand). Cytogenetic location: 17q21.31.
Variant type: Deletion.
Coding change: c.1058+3_1058+7del on transcript NM_004247.4 (MANE Select); bases 3 to 7 of the intron after coding-DNA position 1058, 5 bases deleted (AAGTA; older notation c.1058+3_1058+7delAAGTA).
Molecular consequence: intron variant.
Genome position (GRCh38, 1-based): chr17:44,868,280-44,868,284, TACTT deleted on the plus strand (AAGTA on the coding strand, the reverse complement: EFTUD2 is on the minus strand). VCF-style (leftmost placement, unchanged base first): chr17-44868279-CTACTT-C. GRCh37 (hg19) VCF-style: chr17-42945647-CTACTT-C.
Other names: c.953+3_953+7del (NM_001142605.2); c.1028+3_1028+7del (NM_001258354.2); c.1058+3_1058+7del (NM_001258353.2, NM_004247.3).
Identifiers: ClinVar variation 259250 (VCV000259250.47), dbSNP rs536749831, ClinGen allele CA8607898.